The following is an entry in ClinVar:

ClinVar aggregate classification (germline): Likely benign. Review status: criteria provided, multiple submitters, no conflicts (2 of 4 stars). 3 submissions from 3 submitters: Likely benign (3). Last evaluated 2025-08-18.

Allele frequency attached by ClinVar (database versions not stated): gnomAD 0.00025 and 0.00035; TOPMed 0.00039; ESP Exome Variant Server 0.00041; gnomAD exomes 0.00058; ExAC 0.00071; 1000 Genomes Project 30x 0.00078; 1000 Genomes Project 0.00080.
gnomAD v4.1: 585 of 1,606,524 alleles (0.036%); highest among the groups gnomAD compares: Middle Eastern, 0.92%; 2 homozygotes.

Submissions (3):

Genomic Medicine Center of Excellence, King Faisal Specialist Hospital and Research Centre
Classification: Likely benign. Last evaluated: 2025-08-18. Review status: criteria provided, single submitter. Criteria: ACMG Guidelines, 2015. Collection method: clinical testing. Allele origin: germline.

Laboratory for Molecular Medicine, Mass General Brigham Personalized Medicine
Classification: Likely benign. Last evaluated: 2017-05-15. Review status: criteria provided, single submitter. Criteria: LMM Criteria. Collection method: clinical testing. Allele origin: germline. Observed: 1 variant allele.
Comment: c.3584-10C>T in intron 27 of MUC5B: This variant is not expected to have clinica l significance because a C>T change at this position does not diverge from the s plice consensus sequence and is therefore unlikely to impact splicing. It has be en identified in 0.2% (53/29256) of South Asian chromosomes by the Genome Aggreg ation Database (gnomAD; dbSNP rs140245340).

Breakthrough Genomics
Classification: Likely benign. Review status: criteria provided, single submitter. Criteria: ACMG Guidelines, 2015. Collection method: not provided. Allele origin: germline. Inheritance: Autosomal dominant inheritance. Affected: yes.

NM_002458.3(MUC5B):c.3584-10C>T

Gene: MUC5B (mucin 5B, oligomeric mucus/gel-forming; plus strand). Cytogenetic location: 11p15.5.
Variant type: single nucleotide variant.
Coding change: c.3584-10C>T on transcript NM_002458.3 (MANE Select); 10 bases into the intron before coding-DNA position 3584, C replaced by T.
Molecular consequence: intron variant.
Genome position (GRCh38, 1-based): chr11:1,239,789, C>T. VCF-style: chr11-1239789-C-T. GRCh37 (hg19) VCF-style: chr11-1261019-C-T.
Identifiers: ClinVar variation 504732 (VCV000504732.6), dbSNP rs140245340, ClinGen allele CA5805150.
Genomic context (GRCh38, chr11:1,239,789, plus strand): 5'-CAGCATGGAGCCCCTGGCTGGAGAGACTAAAGGGCCCTGGTGAGTCTTCTGCTCACCCTG[C>T]CGGCCCTAGGCTGCTACCCGAAGTGCCCACCCAGCCAGCCCTTCTTCAATGAGGACCAGA-3'